The following is an entry in ClinVar:

NM_000718.4(CACNA1B):c.2521G>T (p.Ala841Ser)

Gene: CACNA1B (calcium voltage-gated channel subunit alpha1 B; plus strand). Cytogenetic location: 9q34.3.
Variant type: single nucleotide variant.
Coding change: c.2521G>T on transcript NM_000718.4 (MANE Select); coding-DNA position 2521, G replaced by T.
Protein change: p.Ala841Ser; replaces alanine 841 with serine.
Molecular consequence: missense variant.
Genome position (GRCh38, 1-based): chr9:138,023,264, G>T. VCF-style: chr9-138023264-G-T. GRCh37 (hg19) VCF-style: chr9-140917716-G-T.
Other names: c.2521G>T, p.Ala841Ser (NM_001243812.2); short protein forms A841S.
Identifiers: ClinVar variation 1923037 (VCV001923037.2), dbSNP rs960695081, ClinGen allele CA201830310.
Genomic context (GRCh38, chr9:138,023,264, plus strand): 5'-CTGGGCCGCGACGGCGCGCGGGGGCCCGTGGGAGGCAAAGCCCGACCTGAGGCTGCGGAG[G>T]CCCCCGAGGGCGTCGACCCTCCGCGCAGGCACCACCGGCACCGCGACAAGGACAAGACCC-3'
Protein context (NP_000709.1, residues 831-851): GGKARPEAAE[Ala841Ser]PEGVDPPRRH

ClinVar aggregate classification (germline): Uncertain significance (1 of 4 stars; one submission).

Allele frequency attached by ClinVar (database versions not stated): gnomAD exomes below 0.00001; gnomAD 0.00001; TOPMed 0.00002.
gnomAD v4.1: 3 of 1,514,058 alleles (0.0002%); highest among the groups gnomAD compares: African/African-American, 0.0043%; no homozygotes.

Submission:

Labcorp Genetics (formerly Invitae), Labcorp
Classification: Uncertain significance. Last evaluated: 2022-09-23. Review status: criteria provided, single submitter. Criteria: Invitae Variant Classification Sherloc (09022015). Collection method: clinical testing. Allele origin: germline.
Comment: This sequence change replaces alanine, which is neutral and non-polar, with serine, which is neutral and polar, at codon 841 of the CACNA1B protein (p.Ala841Ser). This variant is not present in population databases (gnomAD no frequency). This variant has not been reported in the literature in individuals affected with CACNA1B-related conditions. Advanced modeling of protein sequence and biophysical properties (such as structural, functional, and spatial information, amino acid conservation, physicochemical variation, residue mobility, and thermodynamic stability) performed at Invitae indicates that this missense variant is not expected to disrupt CACNA1B protein function. In summary, the available evidence is currently insufficient to determine the role of this variant in disease. Therefore, it has been classified as a Variant of Uncertain Significance.